The following is an entry in ClinVar:

ClinVar aggregate classification (germline): Conflicting classifications of pathogenicity. Review status: criteria provided, conflicting classifications (1 of 4 stars). 5 submissions from 5 submitters: Uncertain significance (4); Likely benign (1). Last evaluated 2024-05-29.

Conditions:
Hereditary cancer-predisposing syndrome. Also called: Tumor predisposition; Hereditary Cancer Syndrome; Neoplastic Syndromes, Hereditary; Hereditary neoplastic syndrome. Identifiers: Orphanet 140162, MedGen C0027672, MeSH D009386, MONDO:0015356.
Hereditary breast ovarian cancer syndrome. Also called: Hereditary breast and ovarian cancer; Breast and ovarian cancer; Hereditary breast and/or ovarian cancer syndrome; BRCA1- and BRCA2-Associated Hereditary Breast and Ovarian Cancer; Hereditary breast and ovarian cancer syndrome; Hereditary breast and ovarian cancer syndrome (HBOC). Identifiers: Orphanet 145, MedGen C0677776, MeSH D061325, MONDO:0003582. Disease mechanism: loss of function.
Breast-ovarian cancer, familial, susceptibility to, 2 (BROVCA2). Also called: BRCA2 Hereditary Breast and Ovarian Cancer. Identifiers: Orphanet 145, MedGen C2675520, MONDO:0012933, OMIM 612555. Disease mechanism: loss of function.

Allele frequency attached by ClinVar (database versions not stated): gnomAD exomes below 0.00001; ExAC 0.00001; gnomAD 0.00001.
gnomAD v4.1: 2 of 1,613,788 alleles (0.00012%); highest among the groups gnomAD compares: East Asian, 0.0022%; no homozygotes.

Submissions (5):

Labcorp Genetics (formerly Invitae), Labcorp
Classification: Uncertain significance for Hereditary breast ovarian cancer syndrome. Last evaluated: 2024-05-29. Review status: criteria provided, single submitter. Criteria: Invitae Variant Classification Sherloc (09022015). Collection method: clinical testing. Allele origin: germline.
Comment: This sequence change replaces leucine, which is neutral and non-polar, with phenylalanine, which is neutral and non-polar, at codon 2264 of the BRCA2 protein (p.Leu2264Phe). This variant is not present in population databases (gnomAD no frequency). This missense change has been observed in individual(s) with colorectal cancer (PMID: 27978560). ClinVar contains an entry for this variant (Variation ID: 252417). Advanced modeling of protein sequence and biophysical properties (such as structural, functional, and spatial information, amino acid conservation, physicochemical variation, residue mobility, and thermodynamic stability) performed at Invitae indicates that this missense variant is not expected to disrupt BRCA2 protein function with a negative predictive value of 95%. In summary, the available evidence is currently insufficient to determine the role of this variant in disease. Therefore, it has been classified as a Variant of Uncertain Significance.

Ambry Genetics
Classification: Uncertain significance for Hereditary cancer-predisposing syndrome. Last evaluated: 2023-05-11. Review status: criteria provided, single submitter. Criteria: Ambry Variant Classification Scheme 2023. Collection method: clinical testing. Allele origin: germline.
Comment: The p.L2264F variant (also known as c.6792G>C), located in coding exon 10 of the BRCA2 gene, results from a G to C substitution at nucleotide position 6792. The leucine at codon 2264 is replaced by phenylalanine, an amino acid with highly similar properties. This alteration was identified in an individual from a North American cohort of individuals with early onset colon cancer (Pearlman R et al. JAMA Oncol, 2017 Apr;3:464-471). This amino acid position is not well conserved in available vertebrate species. In addition, this alteration is predicted to be tolerated by in silico analysis. Since supporting evidence is limited at this time, the clinical significance of this alteration remains unclear.

University of Washington Department of Laboratory Medicine, University of Washington
Classification: Likely benign for Hereditary cancer-predisposing syndrome. Last evaluated: 2023-03-23. Review status: criteria provided, single submitter. Criteria: Dines et al. (Genet Med. 2020). Collection method: curation. Allele origin: germline.
Comment: Missense variant in a coldspot region where missense variants are very unlikely to be pathogenic (PMID:31911673).

BRCA2 exon 11 coldspot. Reclassification based on statistical prior probability.

Women's Health and Genetics/Laboratory Corporation of America, LabCorp
Classification: Uncertain significance. Last evaluated: 2021-03-28. Review status: criteria provided, single submitter. Criteria: LabCorp Variant Classification Summary - May 2015. Collection method: clinical testing. Allele origin: germline.
Comment: Variant summary: BRCA2 c.6792G>C (p.Leu2264Phe) results in a non-conservative amino acid change in the encoded protein sequence. Four of five in-silico tools predict a benign effect of the variant on protein function. The variant allele was found at a frequency of 4e-06 in 250872 control chromosomes. The available data on variant occurrences in the general population are insufficient to allow any conclusion about variant significance. c.6792G>C has been reported in the literature in at-least one individual affected with MMR (mismatch repair) proficient colorectal cancer (example, Pearlman_2017). This report does not provide unequivocal conclusions about association of the variant with Hereditary Breast And Ovarian Cancer Syndrome. To our knowledge, no experimental evidence demonstrating an impact on protein function has been reported. One clinical diagnostic laboratory has submitted clinical-significance assessments for this variant to ClinVar after 2014 without evidence for independent evaluation and classified the variant as uncertain significance. Based on the evidence outlined above, the variant was classified as uncertain significance.

Quest Diagnostics Nichols Institute San Juan Capistrano
Classification: Uncertain significance for Breast-ovarian cancer, familial, susceptibility to, 2. Last evaluated: 2016-04-05. Review status: criteria provided, single submitter. Criteria: Quest Diagnostics criteria. Collection method: clinical testing. Allele origin: germline. Inheritance: Autosomal dominant inheritance.

Literature cited by the submitters: PubMed 27978560 (cited by 3 submitters); PubMed 26295337 (cited by Quest Diagnostics Nichols Institute San Juan Capistrano).

NM_000059.4(BRCA2):c.6792G>C (p.Leu2264Phe)

Gene: BRCA2 (BRCA2 DNA repair associated; plus strand). Cytogenetic location: 13q13.1.
Variant type: single nucleotide variant.
Coding change: c.6792G>C on transcript NM_000059.4 (MANE Select); coding-DNA position 6792, G replaced by C.
Protein change: p.Leu2264Phe; replaces leucine 2264 with phenylalanine.
Molecular consequence: missense variant.
Genome position (GRCh38, 1-based): chr13:32,341,147, G>C. VCF-style: chr13-32341147-G-C. GRCh37 (hg19) VCF-style: chr13-32915284-G-C.
Other names: short protein forms L2264F.
Identifiers: ClinVar variation 252417 (VCV000252417.16), dbSNP rs756182263, ClinGen allele CA6940984.